The following is an entry in ClinVar:

NM_022552.5(DNMT3A):c.240G>A (p.Gln80=)

Gene: DNMT3A (DNA methyltransferase 3 alpha; minus strand). Cytogenetic location: 2p23.3.
Variant type: single nucleotide variant.
Coding change: c.240G>A on transcript NM_022552.5 (MANE Select); coding-DNA position 240, G replaced by A.
Protein change: p.Gln80=; no amino-acid change (glutamine 80 retained).
Molecular consequence: synonymous variant. On other transcripts: non-coding transcript variant (1).
Genome position (GRCh38, 1-based): chr2:25,282,649, C>T on the plus strand (G>A on the coding strand, the complement: DNMT3A is on the minus strand). VCF-style: chr2-25282649-C-T. GRCh37 (hg19) VCF-style: chr2-25505518-C-T.
Other names: c.240G>A, p.Gln80= (NM_001320892.2, NM_175629.2, NM_175630.1).
Identifiers: ClinVar variation 864277 (VCV000864277.11), dbSNP rs528145106, ClinGen allele CA1556505.
Genomic context (GRCh38, chr2:25,282,649, plus strand): 5'-CTGGGGCTCACTCCGCTTCTCCAAGTCCCCATTGGGTAATAGCTCTGAGGCGCCTGAGTC[C>T]TGGGCCATGGATGGGGACTTGGAGATCACCGCAGGGTCCTTTGGCGTGTCACCGCTTTCC-3'
Protein context (NP_072046.2, residues 70-90): AVISKSPSMA[Gln80=]DSGASELLPN

ClinVar aggregate classification (germline): Likely benign. Review status: criteria provided, multiple submitters, no conflicts (2 of 4 stars). 2 submissions from 2 submitters: Likely benign (2). Last evaluated 2025-05-12.

Conditions:
Tatton-Brown-Rahman overgrowth syndrome. Also called: Tall stature-intellectual disability-facial dysmorphism syndrome; Tatton-Brown-Rahman syndrome. Identifiers: Orphanet 404443, MedGen C4014545, MONDO:0014382, OMIM 615879.
DNMT3A-related disorder. Also called: DNMT3A-related condition; DNMT3A-related disorders.

Allele frequency attached by ClinVar (database versions not stated): gnomAD exomes below 0.00001; TOPMed below 0.00001; ExAC 0.00001; gnomAD 0.00001; 1000 Genomes Project 0.00020; 1000 Genomes Project 30x 0.00031.
gnomAD v4.1: 8 of 1,605,724 alleles (0.0005%); highest among the groups gnomAD compares: Non-Finnish European, 0.00068%; no homozygotes.

Submissions (2):

PreventionGenetics, part of Exact Sciences
Classification: Likely benign for DNMT3A-related condition. Last evaluated: 2025-05-12. Review status: criteria provided, single submitter. Criteria: ACMG Guidelines, 2015. Collection method: clinical testing. Allele origin: germline.
Comment: This variant is classified as likely benign based on ACMG/AMP sequence variant interpretation guidelines (Richards et al. 2015 PMID: 25741868, with internal and published modifications).

Labcorp Genetics (formerly Invitae), Labcorp
Classification: Likely benign for Tatton-Brown-Rahman overgrowth syndrome. Last evaluated: 2024-02-24. Review status: criteria provided, single submitter. Criteria: Invitae Variant Classification Sherloc (09022015). Collection method: clinical testing. Allele origin: germline.